The following is an entry in ClinVar:

NC_000017.10:g.(?_41219605)_(41228651_?)del

Gene: BRCA1 (BRCA1 DNA repair associated; minus strand). Cytogenetic location: 17q21.31.
Variant type: Deletion.
Identifiers: ClinVar variation 1066373 (VCV001066373.2).

ClinVar aggregate classification (germline): Pathogenic (1 of 4 stars; one submission).

Conditions:
Hereditary breast ovarian cancer syndrome. Also called: Hereditary breast and ovarian cancer syndrome (HBOC); Breast and ovarian cancer; Hereditary breast and/or ovarian cancer syndrome; BRCA1- and BRCA2-Associated Hereditary Breast and Ovarian Cancer; Hereditary breast and ovarian cancer syndrome; Hereditary breast and ovarian cancer. Identifiers: Orphanet 145, MedGen C0677776, MeSH D061325, MONDO:0003582. Disease mechanism: loss of function.

Submission:

Labcorp Genetics (formerly Invitae), Labcorp
Classification: Pathogenic for Hereditary breast ovarian cancer syndrome. Last evaluated: 2022-09-24. Review status: criteria provided, single submitter. Criteria: Invitae Variant Classification Sherloc (09022015). Collection method: clinical testing. Allele origin: germline.
Comment: This variant is a gross deletion of the genomic region encompassing exon(s) 13-16 of the BRCA1 gene. This variant would be expected to be in-frame, preserving the integrity of the reading frame. This variant has not been reported in the literature in individuals affected with BRCA1-related conditions. This variant disrupts the BRCT domain, which is important for DNA repair activity (PMID: 11573086, 14576433, 15133503, 25652403). While functional studies have not been performed to directly test the effect of this variant on BRCA1 protein function, this suggests that disruption of this region of the protein is causative of disease. This variant disrupts a region of the BRCA1 protein in which other variant(s) (p.Met1689Arg) have been determined to be pathogenic (PMID: 15172985, 17924331, 18703817, 20516115, 21990134). This suggests that this is a clinically significant region of the protein, and that variants that disrupt it are likely to be disease-causing. For these reasons, this variant has been classified as Pathogenic.

Literature cited by the submitters: PubMed 11573086; PubMed 14576433; PubMed 15133503; PubMed 25652403; PubMed 15172985; PubMed 17924331; PubMed 18703817; PubMed 20516115; PubMed 21990134.